The following is an entry in ClinVar:

ClinVar aggregate classification (germline): Uncertain significance. Review status: criteria provided, multiple submitters, no conflicts (2 of 4 stars). 3 submissions from 3 submitters: Uncertain significance (3). Last evaluated 2025-07-14.

Conditions:
Hereditary cancer-predisposing syndrome. Also called: Neoplastic Syndromes, Hereditary; Hereditary Cancer Syndrome; Hereditary neoplastic syndrome; Tumor predisposition. Identifiers: Orphanet 140162, MedGen C0027672, MeSH D009386, MONDO:0015356.
Mitochondrial complex II deficiency, nuclear type 1. Also called: SUCCINATE CoQ REDUCTASE DEFICIENCY. Identifiers: Orphanet 3208, MedGen C5700310, MONDO:0100294, OMIM 252011.
Pheochromocytoma/paraganglioma syndrome 5. Also called: Paragangliomas 5; SDHA-Related Hereditary Paraganglioma-Pheochromocytoma Syndrome. Identifiers: Orphanet 29072, MedGen C3279992, MONDO:0013602, OMIM 614165.

Allele frequency attached by ClinVar (database versions not stated): gnomAD exomes below 0.00001; ExAC 0.00001.

Submissions (3):

Labcorp Genetics (formerly Invitae), Labcorp
Classification: Uncertain significance for Pheochromocytoma/paraganglioma syndrome 5; Mitochondrial complex II deficiency, nuclear type 1. Last evaluated: 2025-07-14. Review status: criteria provided, single submitter. Criteria: Invitae Variant Classification Sherloc (09022015). Collection method: clinical testing. Allele origin: germline.
Comment: This sequence change replaces serine, which is neutral and polar, with phenylalanine, which is neutral and non-polar, at codon 243 of the SDHA protein (p.Ser243Phe). This variant is present in population databases (rs756966025, gnomAD 0.0009%). This variant has not been reported in the literature in individuals affected with SDHA-related conditions. ClinVar contains an entry for this variant (Variation ID: 472401). Invitae Evidence Modeling of protein sequence and biophysical properties (such as structural, functional, and spatial information, amino acid conservation, physicochemical variation, residue mobility, and thermodynamic stability) indicates that this missense variant is not expected to disrupt SDHA protein function with a negative predictive value of 95%. In summary, the available evidence is currently insufficient to determine the role of this variant in disease. Therefore, it has been classified as a Variant of Uncertain Significance.

Women's Health and Genetics/Laboratory Corporation of America, LabCorp
Classification: Uncertain significance. Last evaluated: 2024-09-11. Review status: criteria provided, single submitter. Criteria: LabCorp Variant Classification Summary - May 2015. Collection method: clinical testing. Allele origin: germline.
Comment: Variant summary: SDHA c.728C>T (p.Ser243Phe) results in a non-conservative amino acid change located in the FAD-dependent oxidoreductase 2, FAD binding domain (IPR003953) of the encoded protein sequence. Three of five in-silico tools predict a damaging effect of the variant on protein function. The variant allele was found at a frequency of 4e-06 in 251190 control chromosomes. The available data on variant occurrences in the general population are insufficient to allow any conclusion about variant significance. To our knowledge, no occurrence of c.728C>T in individuals affected with Neurodegeneration With Ataxia And Late-Onset Optic Atrophy and no experimental evidence demonstrating its impact on protein function have been reported. ClinVar contains an entry for this variant (Variation ID: 472401). Based on the evidence outlined above, the variant was classified as uncertain significance.

Ambry Genetics
Classification: Uncertain significance for Hereditary cancer-predisposing syndrome. Last evaluated: 2024-04-28. Review status: criteria provided, single submitter. Criteria: Ambry Variant Classification Scheme 2023. Collection method: clinical testing. Allele origin: germline.
Comment: The p.S243F variant (also known as c.728C>T), located in coding exon 6 of the SDHA gene, results from a C to T substitution at nucleotide position 728. The serine at codon 243 is replaced by phenylalanine, an amino acid with highly dissimilar properties. This amino acid position is not well conserved in available vertebrate species. In addition, the in silico prediction for this alteration is inconclusive. Since supporting evidence is limited at this time, the clinical significance of this alteration remains unclear.

NM_004168.4(SDHA):c.728C>T (p.Ser243Phe)

Gene: SDHA (succinate dehydrogenase complex flavoprotein subunit A; plus strand). Cytogenetic location: 5p15.33.
Variant type: single nucleotide variant.
Coding change: c.728C>T on transcript NM_004168.4 (MANE Select); coding-DNA position 728, C replaced by T.
Protein change: p.Ser243Phe; replaces serine 243 with phenylalanine.
Molecular consequence: missense variant.
Genome position (GRCh38, 1-based): chr5:228,291, C>T. VCF-style: chr5-228291-C-T. GRCh37 (hg19) VCF-style: chr5-228406-C-T.
Other names: c.584C>T, p.Ser195Phe (NM_001294332.2); c.728C>T, p.Ser243Phe (NM_001330758.2); short protein forms S243F, S195F.
Identifiers: ClinVar variation 472401 (VCV000472401.14), dbSNP rs756966025, ClinGen allele CA3172954.